The following is an entry in ClinVar:

ClinVar aggregate classification (germline): Conflicting classifications of pathogenicity. Review status: criteria provided, conflicting classifications (1 of 4 stars). 4 submissions from 4 submitters: Uncertain significance (2); Likely benign (2). Last evaluated 2025-07-24.

Conditions:
Cardiovascular phenotype. Identifiers: MedGen CN230736.
Osteogenesis imperfecta type I (OI1). Also called: Classic Non-deforming Osteogenesis Imperfecta with Blue Sclerae; Osteogenesis imperfecta type 1; OI, TYPE I; OSTEOGENESIS IMPERFECTA TARDA; OSTEOGENESIS IMPERFECTA WITH BLUE SCLERAE; Lobstein's Disease. Identifiers: Orphanet 216796, Orphanet 666, MedGen C0023931, MONDO:0008146, OMIM 166200. Disease mechanism: loss of function.

Allele frequency attached by ClinVar (database versions not stated): gnomAD 0.00003; TOPMed 0.00005; ExAC 0.00001; gnomAD exomes 0.00001.
gnomAD v4.1: 19 of 1,613,490 alleles (0.0012%); highest among the groups gnomAD compares: African/African-American, 0.008%; no homozygotes.

Submissions (4):

Ambry Genetics
Classification: Likely benign for Cardiovascular phenotype. Last evaluated: 2025-07-24. Review status: criteria provided, single submitter. Criteria: Ambry Variant Classification Scheme 2023. Collection method: clinical testing. Allele origin: germline.

Labcorp Genetics (formerly Invitae), Labcorp
Classification: Likely benign for Osteogenesis imperfecta type I. Last evaluated: 2025-05-10. Review status: criteria provided, single submitter. Criteria: Invitae Variant Classification Sherloc (09022015). Collection method: clinical testing. Allele origin: germline.

GeneDx
Classification: Uncertain significance. Last evaluated: 2024-05-13. Review status: criteria provided, single submitter. Criteria: GeneDx Variant Classification Process June 2021. Collection method: clinical testing. Allele origin: germline. Affected: yes.
Comment: Has not been previously published as pathogenic or benign to our knowledge; Not observed at significant frequency in large population cohorts (gnomAD); In silico analysis supports that this missense variant has a deleterious effect on protein structure/function; Occurs in the triple helical domain at the Y position in the canonical Gly-X-Y repeat; although this variant may have an effect on normal protein folding and function, missense substitution at the Y position is not a common mechanism of disease (HGMD)

Victorian Clinical Genetics Services, Murdoch Childrens Research Institute
Classification: Uncertain significance for Osteogenesis imperfecta type I. Last evaluated: 2020-10-15. Review status: criteria provided, single submitter. Criteria: ACMG Guidelines, 2015. Collection method: clinical testing. Allele origin: germline. Inheritance: Autosomal dominant inheritance.
Comment: Based on the classification scheme VCGS_Germline_v1.3.4, this variant is classified as VUS - 3B. Following criteria are met: 0103 - Dominant negative and loss of function are known mechanisms of disease in this gene and are associated with osteogenesis imperfect types I-IV, and other conditions (OMIM). Variants resulting in a truncated protein are known to have a loss of function effect on protein, while missense variants affecting the G-X-Y of a triple helix motif, have a dominant negative effect and result in a more severe disease progression (PMID: 27509835, PMID: 12362985). (I) 0107 - This gene is associated with autosomal dominant disease. (I) 0200 - Variant is predicted to result in a missense amino acid change from arginine to histidine. (I). 0251 - This variant is heterozygous. (I) 0302 - Variant is present in gnomAD (v3) <0.001 for a dominant condition (4 heterozygotes, 0 homozygotes). (SP) 0309 - An alternative amino acid change at the same position has been observed in gnomAD (v2) (1 heterozygote, 0 homozygotes). (I) 0501 - Missense variant consistently predicted to be damaging by multiple in silico tools or highly conserved with a major amino acid change. (SP) 0600 - Variant is located in the annotated triple helical region (PDB). (I) 0705 - No comparable missense variants have previous evidence for pathogenicity. (I) 0807 - This variant has no previous evidence of pathogenicity. (I) 0905 - No published segregation evidence has been identified for this variant. (I) 1007 - No published functional evidence has been identified for this variant. (I) 1208 - Inheritance information for this variant is not currently available in this individual. (I) Legend: (SP) - Supporting pathogenic, (I) - Information, (SB) - Supporting benign

Literature cited by the submitters: PubMed 12362985 (cited by Victorian Clinical Genetics Services, Murdoch Childrens Research Institute); PubMed 27509835 (cited by Victorian Clinical Genetics Services, Murdoch Childrens Research Institute).

NM_000088.4(COL1A1):c.1532G>A (p.Arg511His)

Gene: COL1A1 (collagen type I alpha 1 chain; minus strand). Cytogenetic location: 17q21.33.
Variant type: single nucleotide variant.
Coding change: c.1532G>A on transcript NM_000088.4 (MANE Select); coding-DNA position 1532, G replaced by A.
Protein change: p.Arg511His; replaces arginine 511 with histidine.
Molecular consequence: missense variant.
Genome position (GRCh38, 1-based): chr17:50,194,431, C>T on the plus strand (G>A on the coding strand, the complement: COL1A1 is on the minus strand). VCF-style: chr17-50194431-C-T. GRCh37 (hg19) VCF-style: chr17-48271792-C-T.
Other names: short protein forms R511H.
Identifiers: ClinVar variation 1315549 (VCV001315549.12), dbSNP rs780422688, ClinGen allele CA8645199.